The following is an entry in ClinVar:

NM_002025.4(AFF2):c.1238C>T (p.Ser413Phe)

Gene: AFF2 (ALF transcription elongation factor 2; plus strand). Cytogenetic location: Xq28.
Variant type: single nucleotide variant.
Coding change: c.1238C>T on transcript NM_002025.4 (MANE Select); coding-DNA position 1238, C replaced by T.
Protein change: p.Ser413Phe; replaces serine 413 with phenylalanine.
Molecular consequence: missense variant.
Genome position (GRCh38, 1-based): chrX:148,843,409, C>T. VCF-style: chrX-148843409-C-T. GRCh37 (hg19) VCF-style: chrX-147924933-C-T.
Other names: c.1139C>T, p.Ser380Phe (NM_001169122.2, NM_001169125.2); c.1226C>T, p.Ser409Phe (NM_001169123.2); c.1151C>T, p.Ser384Phe (NM_001169124.2); c.161C>T, p.Ser54Phe (NM_001170628.1); short protein forms S409F, S413F, S384F, S54F, S380F.
Identifiers: ClinVar variation 838059 (VCV000838059.9), dbSNP rs782179754, ClinGen allele CA10536950.

ClinVar aggregate classification (germline): Uncertain significance (1 of 4 stars; one submission).

Allele frequency attached by ClinVar (database versions not stated): gnomAD 0.00001; gnomAD exomes 0.00004 and 0.00007; ExAC 0.00006.
gnomAD v4.1: 42 of 1,207,740 alleles (0.0035%); highest among the groups gnomAD compares: South Asian, 0.071%; no homozygotes.

Submission:

Labcorp Genetics (formerly Invitae), Labcorp
Classification: Uncertain significance. Last evaluated: 2019-01-30. Review status: criteria provided, single submitter. Criteria: Invitae Variant Classification Sherloc (09022015). Collection method: clinical testing. Allele origin: germline.
Comment: In summary, the available evidence is currently insufficient to determine the role of this variant in disease. Therefore, it has been classified as a Variant of Uncertain Significance. Algorithms developed to predict the effect of missense changes on protein structure and function are either unavailable or do not agree on the potential impact of this missense change (SIFT: "Deleterious"; PolyPhen-2: "Possibly Damaging"; Align-GVGD: "Class C0"). This variant has not been reported in the literature in individuals with AFF2-related conditions. This variant is present in population databases (rs782179754, ExAC 0.05%). This sequence change replaces serine with phenylalanine at codon 413 of the AFF2 protein (p.Ser413Phe). The serine residue is moderately conserved and there is a large physicochemical difference between serine and phenylalanine.